The following is an entry in ClinVar:

NM_014795.4(ZEB2):c.3085T>G (p.Cys1029Gly)

Gene: ZEB2 (zinc finger E-box binding homeobox 2; minus strand). Cytogenetic location: 2q22.3.
Variant type: single nucleotide variant.
Coding change: c.3085T>G on transcript NM_014795.4 (MANE Select); coding-DNA position 3085, T replaced by G.
Protein change: p.Cys1029Gly; replaces cysteine 1029 with glycine.
Molecular consequence: missense variant.
Genome position (GRCh38, 1-based): chr2:144,390,011, A>C on the plus strand (T>G on the coding strand, the complement: ZEB2 is on the minus strand). VCF-style: chr2-144390011-A-C. GRCh37 (hg19) VCF-style: chr2-145147578-A-C.
Other names: c.3013T>G, p.Cys1005Gly (NM_001171653.2); short protein forms C1029G, C1005G.
Identifiers: ClinVar variation 3666541 (VCV003666541.2).
Genomic context (GRCh38, chr2:144,390,011, plus strand): 5'-GAAGCCTTGAGTGCTCGATAAGGTGGTGCTTGTGTTTAAACGCTTTCTTACAAATCTGAC[A>C]CTGATGTGGTCTTTTTCCTGGGAGAAAGAACAAGATGACAGGGTGATTAGTGTCTTTGCA-3'
Protein context (NP_055610.1, residues 1019-1039): YEHTGKRPHQ[Cys1029Gly]QICKKAFKHK

ClinVar aggregate classification (germline): Uncertain significance (1 of 4 stars; one submission).

Conditions:
Mowat-Wilson syndrome (MOWS). Also called: Classic Mowat-Wilson Syndrome. Identifiers: Orphanet 2152, MedGen C1856113, MONDO:0009341, OMIM 235730.

Submission:

Labcorp Genetics (formerly Invitae), Labcorp
Classification: Uncertain significance for Mowat-Wilson syndrome. Last evaluated: 2025-01-25. Review status: criteria provided, single submitter. Criteria: Invitae Variant Classification Sherloc (09022015). Collection method: clinical testing. Allele origin: germline.
Comment: This sequence change replaces cysteine, which is neutral and slightly polar, with glycine, which is neutral and non-polar, at codon 1029 of the ZEB2 protein (p.Cys1029Gly). This variant is not present in population databases (gnomAD no frequency). This variant has not been reported in the literature in individuals affected with ZEB2-related conditions. Invitae Evidence Modeling of protein sequence and biophysical properties (such as structural, functional, and spatial information, amino acid conservation, physicochemical variation, residue mobility, and thermodynamic stability) indicates that this missense variant is expected to disrupt ZEB2 protein function with a positive predictive value of 80%. In summary, the available evidence is currently insufficient to determine the role of this variant in disease. Therefore, it has been classified as a Variant of Uncertain Significance.